The following is an entry in ClinVar:

ClinVar aggregate classification (germline): Uncertain significance (1 of 4 stars; one submission).

Allele frequency attached by ClinVar (database versions not stated): gnomAD exomes below 0.00001; TOPMed below 0.00001; gnomAD 0.00001.

Submission:

GeneDx
Classification: Uncertain significance. Last evaluated: 2014-03-12. Review status: criteria provided, single submitter. Criteria: GeneDx Variant Classification (06012015). Collection method: clinical testing. Allele origin: germline. Affected: yes.
Comment: p.Asp95Asn (GAC>AAC): c.283 G>A in exon 4 of the CHRNA4 gene (NM_000744.5) The Asp95Asn variant has not been published as a mutation, nor has it been reported as a benign polymorphism to our knowledge. It was not observed in approximately 6,500 individuals of European and African American ancestry in the NHLBI Exome Sequencing Project, indicating it is not a common benign variant in these populations. The Asp95Asn variant is a semi-conservative amino acid substitution, which may impact secondary protein structure as these residues differ in some properties. This substitution occurs at a position that is conserved across species. In silico analysis predicts this variant is probably damaging to the protein structure/function. However, this amino acid substitution does not occur within the transmembrane region of the protein, where the vast majority of pathogenic missense mutations have been identified in association with epilepsy (Steinlein et al., 2010). Therefore, based on the currently available information, it is unclear whether this variant is a pathogenic mutation or a rare benign variant. The variant is found in EPILEPSY panel(s).

NM_000744.7(CHRNA4):c.283G>A (p.Asp95Asn)

Genes: CHRNA4 (cholinergic receptor nicotinic alpha 4 subunit; minus strand), LOC126863087 (P300/CBP strongly-dependent group 1 enhancer GRCh37_chr20:61986832-61988031; plus strand). Cytogenetic location: 20q13.33.
Variant type: single nucleotide variant.
Coding change: c.283G>A on transcript NM_000744.7 (MANE Select); coding-DNA position 283, G replaced by A.
Protein change: p.Asp95Asn; replaces aspartic acid 95 with asparagine.
Molecular consequence: missense variant. On other transcripts: 5 prime UTR variant (1), non-coding transcript variant (1).
Genome position (GRCh38, 1-based): chr20:63,356,075, C>T on the plus strand (G>A on the coding strand, the complement: CHRNA4 is on the minus strand). VCF-style: chr20-63356075-C-T. GRCh37 (hg19) VCF-style: chr20-61987427-C-T.
Other names: p.D95N:GAC>AAC; c.-264G>A (NM_001256573.2); short protein forms D95N.
Identifiers: ClinVar variation 205044 (VCV000205044.2), dbSNP rs761317422, ClinGen allele CA313607.